The following is an entry in ClinVar:

ClinVar aggregate classification (germline): Pathogenic. Review status: criteria provided, multiple submitters, no conflicts (2 of 4 stars). 5 submissions from 5 submitters: Pathogenic (5). Last evaluated 2024-12-11.

Conditions:
Cardiomyopathy (CMYO). Also called: Cardiomyopathies. Identifiers: Orphanet 167848, MedGen C0878544, MONDO:0004994, HP:0001638. Inheritance: Various modes of inheritance.
Arrhythmogenic cardiomyopathy with wooly hair and keratoderma. Also called: Dilated cardiomyopathy with woolly hair and keratoderma; PALMOPLANTAR KERATODERMA WITH LEFT VENTRICULAR CARDIOMYOPATHY AND WOOLLY HAIR; Arrhythmogenic cardiomyopathy with woolly hair and keratoderma; Carvajal syndrome. Identifiers: Orphanet 65282, MedGen C1854063, MONDO:0011581, OMIM 605676.
Arrhythmogenic right ventricular dysplasia 8 (ARVD8). Also called: Arrhythmogenic Right Ventricular Dysplasia/Cardiomyopathy 8; ARRHYTHMOGENIC RIGHT VENTRICULAR DYSPLASIA, FAMILIAL, 8; ARRHYTHMOGENIC RIGHT VENTRICULAR CARDIOMYOPATHY 8. Identifiers: MedGen C1843896, MONDO:0011831, OMIM 607450.
DSP-related disorder. Also called: DSP-related disorders; DSP-related condition.

Submissions (5):

Color Diagnostics, LLC DBA Color Health
Classification: Pathogenic for Cardiomyopathy. Last evaluated: 2024-12-11. Review status: criteria provided, single submitter. Criteria: ACMG Guidelines, 2015. Collection method: clinical testing. Allele origin: germline.
Comment: This variant changes 1 nucleotide in exon 14 of the DSP gene, creating a premature translation stop signal. This variant is expected to result in an absent or non-functional protein product. To our knowledge, this variant has not been reported in individuals affected with cardiovascular disorders in the literature. This variant has not been identified in the general population by the Genome Aggregation Database (gnomAD). Loss of DSP function is a known mechanism of disease. Based on the available evidence, this variant is classified as Pathogenic.

All of Us Research Program, National Institutes of Health
Classification: Pathogenic for Arrhythmogenic cardiomyopathy with wooly hair and keratoderma. Last evaluated: 2024-09-25. Review status: criteria provided, single submitter. Criteria: ACMG Guidelines, 2015. Collection method: clinical testing. Allele origin: germline. Inheritance: Autosomal dominant inheritance. Observed: 1 variant allele, 1 heterozygote.
Comment: This variant is predicted to result in loss of protein function through nonsense-mediated or protein truncation. Loss of function is an established mechanism of disease. This prediction has not been confirmed by functional studies. To date, this variant has not been reported in association with human disease in the medical literature. This variant is absent from or rare in large population databases, including the Genome Aggregation Database.

This study involves interpretation of variants in research participants for the purpose of population health screening. Participant phenotype was not available at the time of variant classification. Additional details can be found in publication PMID: 35346344, PMCID: PMC8962531

Institute of Human Genetics, University of Leipzig Medical Center
Classification: Pathogenic for Arrhythmogenic right ventricular dysplasia 8. Last evaluated: 2024-09-25. Review status: criteria provided, single submitter. Criteria: ACMG Guidelines, 2015. Collection method: clinical testing. Allele origin: unknown. Inheritance: Autosomal dominant inheritance. Affected: yes.
Comment: Criteria applied: PVS1,PS4_MOD,PM2

Labcorp Genetics (formerly Invitae), Labcorp
Classification: Pathogenic for Arrhythmogenic cardiomyopathy with wooly hair and keratoderma; Arrhythmogenic right ventricular dysplasia 8. Last evaluated: 2024-07-30. Review status: criteria provided, single submitter. Criteria: Invitae Variant Classification Sherloc (09022015). Collection method: clinical testing. Allele origin: germline.
Comment: This sequence change creates a premature translational stop signal (p.Gln633*) in the DSP gene. It is expected to result in an absent or disrupted protein product. Loss-of-function variants in DSP are known to be pathogenic (PMID: 20716751, 24503780, 25227139). This variant is not present in population databases (gnomAD no frequency). This variant has not been reported in the literature in individuals affected with DSP-related conditions. ClinVar contains an entry for this variant (Variation ID: 836231). For these reasons, this variant has been classified as Pathogenic.

Blueprint Genetics
Classification: Pathogenic for DSP-related disorders. Last evaluated: 2023-02-09. Review status: criteria provided, single submitter. Criteria: ACMG Guidelines, 2015. Collection method: clinical testing. Allele origin: germline. Affected: yes. Observed: 1 variant allele.

Literature cited by the submitters: PubMed 20716751 (cited by Labcorp Genetics (formerly Invitae), Labcorp); PubMed 24503780 (cited by Labcorp Genetics (formerly Invitae), Labcorp); PubMed 25227139 (cited by Labcorp Genetics (formerly Invitae), Labcorp).

NM_004415.4(DSP):c.1897C>T (p.Gln633Ter)

Gene: DSP (desmoplakin; plus strand). Cytogenetic location: 6p24.3.
Variant type: single nucleotide variant.
Coding change: c.1897C>T on transcript NM_004415.4 (MANE Select); coding-DNA position 1897, C replaced by T.
Protein change: p.Gln633Ter; replaces glutamine 633 with a stop codon.
Molecular consequence: nonsense.
Genome position (GRCh38, 1-based): chr6:7,571,578, C>T. VCF-style: chr6-7571578-C-T. GRCh37 (hg19) VCF-style: chr6-7571811-C-T.
Other names: c.1897C>T, p.Gln633Ter (NM_001008844.3, NM_001319034.2); short protein forms Q633*.
Identifiers: ClinVar variation 836231 (VCV000836231.15), dbSNP rs1464886350, ClinGen allele CA362679843.
Genomic context (GRCh38, chr6:7,571,578, plus strand): 5'-ACCGATGCCCAGAAGCATTACCAGACCCTGGTCATTCAGCTCCCTGGCTATCCCCAGCAC[C>T]AGACAGGTCGGCTTGGGACATCTTTCTCTTTGTATCAACCATCCATACCATTTTAAAAAG-3'